The following is an entry in ClinVar:

NM_001384140.1(PCDH15):c.1411A>G (p.Arg471Gly)

Gene: PCDH15 (protocadherin related 15; minus strand). Cytogenetic location: 10q21.1.
Variant type: single nucleotide variant.
Coding change: c.1411A>G on transcript NM_001384140.1 (MANE Select); coding-DNA position 1411, A replaced by G.
Protein change: p.Arg471Gly; replaces arginine 471 with glycine.
Molecular consequence: missense variant.
Genome position (GRCh38, 1-based): chr10:54,185,163, T>C on the plus strand (A>G on the coding strand, the complement: PCDH15 is on the minus strand). VCF-style: chr10-54185163-T-C. GRCh37 (hg19) VCF-style: chr10-55944923-T-C.
Other names: c.1426A>G, p.Arg476Gly (NM_001142771.2, NM_001142763.2); c.1411A>G, p.Arg471Gly (NM_001142772.2, NM_001354420.2, NM_001354429.2 and 6 more transcripts); c.1345A>G, p.Arg449Gly (NM_001142773.2, NM_001354404.2, NM_001142768.2); c.1432A>G, p.Arg478Gly (NM_001354411.2); c.1300A>G, p.Arg434Gly (NM_001142767.2); c.1447A>G, p.Arg483Gly (NM_001142769.4); short protein forms R434G, R449G, R471G, R476G, R478G, R483G.
Identifiers: ClinVar variation 1219619 (VCV001219619.4), dbSNP rs1294048440, ClinGen allele CA376515175.

ClinVar aggregate classification (germline): Uncertain significance. Review status: criteria provided, single submitter (1 of 4 stars). 2 submissions from 2 submitters: Uncertain significance (1). 1 of the submissions does not count toward it. Last evaluated 2019-03-21.

Conditions:
Usher syndrome type 1F (USH1F). Also called: USHER SYNDROME, TYPE IF. Identifiers: Orphanet 231169, Orphanet 886, MedGen C1865885, MONDO:0011186, OMIM 602083.

Allele frequency attached by ClinVar (database versions not stated): gnomAD exomes below 0.00001; TOPMed below 0.00001.
gnomAD v4.1: 2 of 1,613,686 alleles (0.00012%); highest among the groups gnomAD compares: Admixed American, 0.0017%; no homozygotes.

Submissions (2):

GeneDx
Classification: Uncertain significance. Last evaluated: 2019-03-21. Review status: criteria provided, single submitter. Criteria: GeneDx Variant Classification Process June 2021. Collection method: clinical testing. Allele origin: germline. Affected: yes.
Comment: Not observed in large population cohorts (Lek et al., 2016); In silico analysis, which includes protein predictors and evolutionary conservation, supports a deleterious effect; Has not been previously published as pathogenic or benign to our knowledge

Natera, Inc.
Classification: Uncertain significance for Usher syndrome type 1F. Last evaluated: 2020-02-26. Review status: no assertion criteria provided. Collection method: clinical testing. Allele origin: germline. Not counted in ClinVar's aggregate classification.